The following is an entry in ClinVar:

NM_003924.4(PHOX2B):c.833_838dup (p.Pro279_Ile280insSerPro)

Gene: PHOX2B (paired like homeobox 2B; minus strand). Cytogenetic location: 4p13.
Variant type: Duplication.
Coding change: c.833_838dup on transcript NM_003924.4 (MANE Select); coding-DNA positions 833 to 838, 6 bases duplicated (GCCCCA; older notation c.833_838dupGCCCCA).
Protein change: p.Pro279_Ile280insSerPro.
Molecular consequence: inframe insertion.
Genome position (GRCh38, 1-based): chr4:41,745,914-41,745,919, TGGGGC duplicated on the plus strand (GCCCCA on the coding strand, the reverse complement: PHOX2B is on the minus strand). VCF-style (leftmost placement, unchanged base first): chr4-41745913-A-ATGGGGC. GRCh37 (hg19) VCF-style: chr4-41747930-A-ATGGGGC.
Other names: c.833_838dupGCCCCA (NM_003924.3).
Identifiers: ClinVar variation 1059064 (VCV001059064.10), dbSNP rs2153112747, ClinGen allele CA2499217209.
Genomic context (GRCh38, chr4:41,745,913, plus strand): 5'-CTTTGGAGCGAAGATAGGACGCTGGCGAAGGGACCCCCAAGCGAATCCGGGATGGAGGTG[A>ATGGGGC]TGGGGCCGGGGCCGGGAGCCCAGCCTTGTCCAGGGCCCCCAGCCGCAGCCAGGCCTCCAG-3'

ClinVar aggregate classification (germline): Uncertain significance. Review status: criteria provided, multiple submitters, no conflicts (2 of 4 stars). 2 submissions from 2 submitters: Uncertain significance (2). Last evaluated 2024-04-19.

Conditions:
Hereditary cancer-predisposing syndrome. Also called: Neoplastic Syndromes, Hereditary; Hereditary Cancer Syndrome; Hereditary neoplastic syndrome; Tumor predisposition. Identifiers: Orphanet 140162, MedGen C0027672, MeSH D009386, MONDO:0015356.
Haddad syndrome (OHD). Also called: Ondine-Hirschsprung disease. Identifiers: Orphanet 99803, MedGen C1859049, MONDO:0020493.

Submissions (2):

Ambry Genetics
Classification: Uncertain significance for Hereditary cancer-predisposing syndrome. Last evaluated: 2024-04-19. Review status: criteria provided, single submitter. Criteria: Ambry Variant Classification Scheme 2023. Collection method: clinical testing. Allele origin: germline.
Comment: The c.833_838dupGCCCCA variant (also known as p.P279_I280insSP), located in coding exon 3 of the PHOX2B gene, results from an in-frame duplication of GCCCCA at nucleotide positions 833 to 838. This results in the insertion of 2 extra residues (SP) between codons 279 and 280. This amino acid region is well conserved in available vertebrate species. In addition, this alteration is predicted to be neutral by in silico analysis (Choi Y et al. PLoS ONE. 2012; 7(10):e46688). Based on the available evidence, the clinical significance of this variant remains unclear.

Labcorp Genetics (formerly Invitae), Labcorp
Classification: Uncertain significance for Haddad syndrome. Last evaluated: 2020-07-08. Review status: criteria provided, single submitter. Criteria: Invitae Variant Classification Sherloc (09022015). Collection method: clinical testing. Allele origin: germline.
Comment: In summary, the available evidence is currently insufficient to determine the role of this variant in disease. Therefore, it has been classified as a Variant of Uncertain Significance. Algorithms developed to predict the effect of sequence changes on RNA splicing suggest that this variant may create or strengthen a splice site, but this prediction has not been confirmed by published transcriptional studies. This variant has not been reported in the literature in individuals with PHOX2B-related conditions. This variant is not present in population databases (ExAC no frequency). This variant, c.833_838dup, results in the insertion of 2 amino acid(s) to the PHOX2B protein (p.Pro279_Ile280insSerPro), but otherwise preserves the integrity of the reading frame.